The following is an entry in ClinVar:

ClinVar aggregate classification (germline): Pathogenic (1 of 4 stars; one submission).

Submission:

CeGaT Center for Human Genetics Tuebingen
Classification: Pathogenic. Last evaluated: 2023-03-01. Review status: criteria provided, single submitter. Criteria: CeGaT Center For Human Genetics Tuebingen Variant Classification Criteria Version 2. Collection method: clinical testing. Allele origin: germline. Affected: yes. Observed: 1 variant allele.
Comment: EXT1: PVS1, PM2

NM_000127.3(EXT1):c.1575del (p.Lys526fs)

Gene: EXT1 (exostosin glycosyltransferase 1; minus strand). Cytogenetic location: 8q24.11.
Variant type: Deletion.
Coding change: c.1575del on transcript NM_000127.3 (MANE Select); coding-DNA position 1575, one base deleted (C; older notation c.1575delC).
Protein change: p.Lys526fs; shifts the reading frame from lysine 526.
Molecular consequence: frameshift variant.
Genome position (GRCh38, 1-based): chr8:117,818,492, G deleted on the plus strand (C on the coding strand, the reverse complement: EXT1 is on the minus strand); the first of 2 consecutive G bases (chr8:117,818,492-117,818,493); deleting either gives the same sequence. VCF-style (leftmost placement, unchanged base first): chr8-117818491-TG-T. GRCh37 (hg19) VCF-style: chr8-118830730-TG-T.
Other names: short protein forms K526fs.
Identifiers: ClinVar variation 2499078 (VCV002499078.28), dbSNP rs2488106775, ClinGen allele CA2580078546.